The following is an entry in ClinVar:

ClinVar aggregate classification (germline): Uncertain significance (1 of 4 stars; one submission).

gnomAD v4.1: 1 of 1,612,712 alleles (0.000062%); highest among the groups gnomAD compares: Non-Finnish European, 0.000085%; no homozygotes.

Submission:

Labcorp Genetics (formerly Invitae), Labcorp
Classification: Uncertain significance. Last evaluated: 2024-11-05. Review status: criteria provided, single submitter. Criteria: Invitae Variant Classification Sherloc (09022015). Collection method: clinical testing. Allele origin: germline.
Comment: This sequence change replaces alanine, which is neutral and non-polar, with threonine, which is neutral and polar, at codon 3567 of the ADGRV1 protein (p.Ala3567Thr). This variant is not present in population databases (gnomAD no frequency). This variant has not been reported in the literature in individuals affected with ADGRV1-related conditions. ClinVar contains an entry for this variant (Variation ID: 1516017). Invitae Evidence Modeling of protein sequence and biophysical properties (such as structural, functional, and spatial information, amino acid conservation, physicochemical variation, residue mobility, and thermodynamic stability) indicates that this missense variant is not expected to disrupt ADGRV1 protein function with a negative predictive value of 95%. In summary, the available evidence is currently insufficient to determine the role of this variant in disease. Therefore, it has been classified as a Variant of Uncertain Significance.

NM_032119.4(ADGRV1):c.10699G>A (p.Ala3567Thr)

Gene: ADGRV1 (adhesion G protein-coupled receptor V1; plus strand). Cytogenetic location: 5q14.3.
Variant type: single nucleotide variant.
Coding change: c.10699G>A on transcript NM_032119.4 (MANE Select); coding-DNA position 10699, G replaced by A.
Protein change: p.Ala3567Thr; replaces alanine 3567 with threonine.
Molecular consequence: missense variant. On other transcripts: non-coding transcript variant (1).
Genome position (GRCh38, 1-based): chr5:90,745,195, G>A. VCF-style: chr5-90745195-G-A. GRCh37 (hg19) VCF-style: chr5-90041012-G-A.
Other names: short protein forms A3567T.
Identifiers: ClinVar variation 1516017 (VCV001516017.6), dbSNP rs2149912305, ClinGen allele CA360408314.